The following is an entry in ClinVar:

NM_012144.4(DNAI1):c.1498_1502del (p.Thr500fs)

Gene: DNAI1 (dynein axonemal intermediate chain 1; plus strand). Cytogenetic location: 9p13.3.
Variant type: Deletion.
Coding change: c.1498_1502del on transcript NM_012144.4 (MANE Select); coding-DNA positions 1498 to 1502, 5 bases deleted (ACTGC; older notation c.1498_1502delACTGC).
Protein change: p.Thr500fs; shifts the reading frame from threonine 500.
Molecular consequence: frameshift variant.
Genome position (GRCh38, 1-based): chr9:34,513,120-34,513,124, ACTGC deleted; deleting any 5 consecutive bases within chr9:34,513,118-34,513,124 gives the same sequence; the c. name uses the placement nearest the transcript's 3' end. VCF-style (leftmost placement, unchanged base first): chr9-34513117-GGCACT-G. GRCh37 (hg19) VCF-style: chr9-34513115-GGCACT-G.
Other names: c.1510_1514del, p.Thr504fs (NM_001281428.2); short protein forms T500fs, T504fs.
Identifiers: ClinVar variation 1990327 (VCV001990327.4), dbSNP rs2492120752, ClinGen allele CA2580080384.

ClinVar aggregate classification (germline): Pathogenic (1 of 4 stars; one submission).

Conditions:
Primary ciliary dyskinesia. Also called: Ciliary dyskinesia. Identifiers: Orphanet 244, MedGen C0008780, MONDO:0016575, HP:0012265.

Submission:

Labcorp Genetics (formerly Invitae), Labcorp
Classification: Pathogenic for Primary ciliary dyskinesia. Last evaluated: 2022-06-30. Review status: criteria provided, single submitter. Criteria: Invitae Variant Classification Sherloc (09022015). Collection method: clinical testing. Allele origin: germline.
Comment: For these reasons, this variant has been classified as Pathogenic. This variant has not been reported in the literature in individuals affected with DNAI1-related conditions. This variant is not present in population databases (gnomAD no frequency). This sequence change creates a premature translational stop signal (p.Thr500Leufs*2) in the DNAI1 gene. It is expected to result in an absent or disrupted protein product. Loss-of-function variants in DNAI1 are known to be pathogenic (PMID: 16858015, 29363216).

Literature cited by the submitters: PubMed 16858015; PubMed 29363216.